The following is an entry in ClinVar:

NM_004260.4(RECQL4):c.2154G>A (p.Ala718=)

Gene: RECQL4 (RecQ like helicase 4; minus strand). Cytogenetic location: 8q24.3.
Variant type: single nucleotide variant.
Coding change: c.2154G>A on transcript NM_004260.4 (MANE Select); coding-DNA position 2154, G replaced by A.
Protein change: p.Ala718=; no amino-acid change (alanine 718 retained).
Molecular consequence: synonymous variant.
Genome position (GRCh38, 1-based): chr8:144,513,617, C>T on the plus strand (G>A on the coding strand, the complement: RECQL4 is on the minus strand). VCF-style: chr8-144513617-C-T. GRCh37 (hg19) VCF-style: chr8-145739001-C-T.
Identifiers: ClinVar variation 702763 (VCV000702763.11), dbSNP rs745813211, ClinGen allele CA4948441.

ClinVar aggregate classification (germline): Likely benign. Review status: criteria provided, single submitter (1 of 4 stars). 2 submissions from 2 submitters: Likely benign (1). 1 of the submissions does not count toward it. Last evaluated 2026-02-03.

Conditions:
RECQL4-related disorder. Also called: RECQL4-related condition; RECQL4-related disorders.
Baller-Gerold syndrome (BGS). Also called: CRANIOSYNOSTOSIS WITH RADIAL DEFECTS. Identifiers: Orphanet 1225, MedGen C0265308, MONDO:0009039, OMIM 218600.

Allele frequency attached by ClinVar (database versions not stated): gnomAD 0.00006; TOPMed 0.00006; gnomAD exomes 0.00012; ExAC 0.00021.
gnomAD v4.1: 54 of 1,602,244 alleles (0.0034%); highest among the groups gnomAD compares: East Asian, 0.047%; no homozygotes.

Submissions (2):

Labcorp Genetics (formerly Invitae), Labcorp
Classification: Likely benign for Baller-Gerold syndrome. Last evaluated: 2026-02-03. Review status: criteria provided, single submitter. Criteria: Invitae Variant Classification Sherloc (09022015). Collection method: clinical testing. Allele origin: germline.

PreventionGenetics, part of Exact Sciences
Classification: Likely benign for RECQL4-related condition. Last evaluated: 2020-01-27. Review status: no assertion criteria provided. Collection method: clinical testing. Allele origin: germline. Not counted in ClinVar's aggregate classification.
Comment: This variant is classified as likely benign based on ACMG/AMP sequence variant interpretation guidelines (Richards et al. 2015 PMID: 25741868, with internal and published modifications).